The following is an entry in ClinVar:

ClinVar aggregate classification (germline): Uncertain significance (1 of 4 stars; one submission).

Conditions:
Marfan syndrome (MFS). Also called: FBN1-Related Marfan Syndrome; MARFAN SYNDROME, TYPE I; Marfan syndrome type 1; Marfan's syndrome; Marfan syndrome, classic. Identifiers: Orphanet 284963, Orphanet 558, MedGen C0024796, MONDO:0007947, OMIM 154700.
Familial thoracic aortic aneurysm and aortic dissection (TAAD). Also called: Thoracic aortic aneurysms and dissections. Identifiers: Orphanet 91387, MedGen C4707243, MONDO:0019625.

Submission:

Labcorp Genetics (formerly Invitae), Labcorp
Classification: Uncertain significance for Marfan syndrome; Familial thoracic aortic aneurysm and aortic dissection. Last evaluated: 2025-03-31. Review status: criteria provided, single submitter. Criteria: Invitae Variant Classification Sherloc (09022015). Collection method: clinical testing. Allele origin: germline.
Comment: This sequence change replaces glutamine, which is neutral and polar, with histidine, which is basic and polar, at codon 2553 of the FBN1 protein (p.Gln2553His). This variant is not present in population databases (gnomAD no frequency). This variant has not been reported in the literature in individuals affected with FBN1-related conditions. Invitae Evidence Modeling of protein sequence and biophysical properties (such as structural, functional, and spatial information, amino acid conservation, physicochemical variation, residue mobility, and thermodynamic stability) indicates that this missense variant is not expected to disrupt FBN1 protein function with a negative predictive value of 95%. In summary, the available evidence is currently insufficient to determine the role of this variant in disease. Therefore, it has been classified as a Variant of Uncertain Significance.

NM_000138.5(FBN1):c.7659G>T (p.Gln2553His)

Gene: FBN1 (fibrillin 1; minus strand). Cytogenetic location: 15q21.1.
Variant type: single nucleotide variant.
Coding change: c.7659G>T on transcript NM_000138.5 (MANE Select); coding-DNA position 7659, G replaced by T.
Protein change: p.Gln2553His; replaces glutamine 2553 with histidine.
Molecular consequence: missense variant.
Genome position (GRCh38, 1-based): chr15:48,421,598, C>A on the plus strand (G>T on the coding strand, the complement: FBN1 is on the minus strand). VCF-style: chr15-48421598-C-A. GRCh37 (hg19) VCF-style: chr15-48713795-C-A.
Other names: c.7659G>T, p.Gln2553His (NM_001406716.1); short protein forms Q2553H.
Identifiers: ClinVar variation 4787712 (VCV004787712.1).